The following is an entry in ClinVar:

NM_201384.3(PLEC):c.13216G>A (p.Val4406Met)

Gene: PLEC (plectin; minus strand). Cytogenetic location: 8q24.3.
Variant type: single nucleotide variant.
Coding change: c.13216G>A on transcript NM_201384.3 (MANE Select); coding-DNA position 13216, G replaced by A.
Protein change: p.Val4406Met; replaces valine 4406 with methionine.
Molecular consequence: missense variant.
Genome position (GRCh38, 1-based): chr8:143,916,605, C>T on the plus strand (G>A on the coding strand, the complement: PLEC is on the minus strand). VCF-style: chr8-143916605-C-T. GRCh37 (hg19) VCF-style: chr8-144990773-C-T.
Other names: c.13297G>A, p.Val4433Met (NM_000445.5); c.13174G>A, p.Val4392Met (NM_201378.4); c.13150G>A, p.Val4384Met (NM_201379.3); c.13627G>A, p.Val4543Met (NM_201380.4); c.13120G>A, p.Val4374Met (NM_201381.3); c.13216G>A, p.Val4406Met (NM_201382.4); c.13228G>A, p.Val4410Met (NM_201383.3); short protein forms V4374M, V4433M, V4392M, V4410M, V4384M, V4406M, V4543M.
Identifiers: ClinVar variation 859486 (VCV000859486.10), dbSNP rs782059675, ClinGen allele CA4923879.

ClinVar aggregate classification (germline): Uncertain significance (1 of 4 stars; one submission).

Conditions:
Epidermolysis bullosa simplex 5B, with muscular dystrophy (EBS5B). Also called: Epidermolysis bullosa simplex with muscular dystrophy; EPIDERMOLYSIS BULLOSA SIMPLEX AND LIMB-GIRDLE MUSCULAR DYSTROPHY. Identifiers: Orphanet 257, MedGen C2931072, MONDO:0009181, OMIM 226670.
Epidermolysis bullosa simplex 5C, with pyloric atresia (EBS5C). Also called: PLEC1-Related Epidermolysis Bullosa with Pyloric Atresia; Epidermolysis bullosa simplex with pyloric atresia; PLEC-Related Epidermolysis Bullosa with Pyloric Atresia. Identifiers: Orphanet 158684, MedGen C2677349, MONDO:0012807, OMIM 612138.
Epidermolysis bullosa simplex, Ogna type (EBS5A). Also called: Pidermolysis bullosa simplex 5A, Ogna type; EPIDERMOLYSIS BULLOSA SIMPLEX 5A, OGNA TYPE. Identifiers: Orphanet 79401, MedGen C0432317, MONDO:0007555, OMIM 131950.
Autosomal recessive limb-girdle muscular dystrophy type 2Q (LGMDR17). Also called: MUSCULAR DYSTROPHY, LIMB-GIRDLE, AUTOSOMAL RECESSIVE 17. Identifiers: Orphanet 254361, MedGen C3150989, MONDO:0013390, OMIM 613723.
Epidermolysis bullosa simplex with nail dystrophy (EBS5D). Identifiers: MedGen C4225309, MONDO:0014661, OMIM 616487.

Allele frequency attached by ClinVar (database versions not stated): gnomAD 0.00001 and 0.00002; ExAC 0.00004; gnomAD exomes 0.00004; TOPMed 0.00005; 1000 Genomes Project 30x 0.00016.
gnomAD v4.1: 38 of 1,609,892 alleles (0.0024%); highest among the groups gnomAD compares: Middle Eastern, 0.017%; no homozygotes.

Submission:

Labcorp Genetics (formerly Invitae), Labcorp
Classification: Uncertain significance for Autosomal recessive limb-girdle muscular dystrophy type 2Q; Epidermolysis bullosa simplex, Ogna type; Epidermolysis bullosa simplex with nail dystrophy; Epidermolysis bullosa simplex 5C, with pyloric atresia; Epidermolysis bullosa simplex 5B, with muscular dystrophy. Last evaluated: 2023-08-17. Review status: criteria provided, single submitter. Criteria: Invitae Variant Classification Sherloc (09022015). Collection method: clinical testing. Allele origin: germline.
Comment: This sequence change replaces valine, which is neutral and non-polar, with methionine, which is neutral and non-polar, at codon 4433 of the PLEC protein (p.Val4433Met). In summary, the available evidence is currently insufficient to determine the role of this variant in disease. Therefore, it has been classified as a Variant of Uncertain Significance. Advanced modeling of protein sequence and biophysical properties (such as structural, functional, and spatial information, amino acid conservation, physicochemical variation, residue mobility, and thermodynamic stability) performed at Invitae indicates that this missense variant is not expected to disrupt PLEC protein function. ClinVar contains an entry for this variant (Variation ID: 859486). This variant has not been reported in the literature in individuals affected with PLEC-related conditions. This variant is present in population databases (rs782059675, gnomAD 0.01%).